The following is an entry in ClinVar:

NM_003000.3(SDHB):c.4G>C (p.Ala2Pro)

Gene: SDHB (succinate dehydrogenase complex iron sulfur subunit B; minus strand). Cytogenetic location: 1p36.13.
Variant type: single nucleotide variant.
Coding change: c.4G>C on transcript NM_003000.3 (MANE Select); coding-DNA position 4, G replaced by C.
Protein change: p.Ala2Pro; replaces alanine 2 with proline.
Molecular consequence: missense variant.
Genome position (GRCh38, 1-based): chr1:17,054,016, C>G on the plus strand (G>C on the coding strand, the complement: SDHB is on the minus strand). VCF-style: chr1-17054016-C-G. GRCh37 (hg19) VCF-style: chr1-17380511-C-G.
Other names: c.4G>C, p.Ala2Pro (NM_001407361.1); short protein forms A2P.
Identifiers: ClinVar variation 4547796 (VCV004547796.1).

ClinVar aggregate classification (germline): Uncertain significance (1 of 4 stars; one submission).

Conditions:
Hereditary cancer-predisposing syndrome. Also called: Tumor predisposition; Hereditary Cancer Syndrome; Hereditary neoplastic syndrome; Neoplastic Syndromes, Hereditary. Identifiers: Orphanet 140162, MedGen C0027672, MeSH D009386, MONDO:0015356.

Submission:

Ambry Genetics
Classification: Uncertain significance for Hereditary cancer-predisposing syndrome. Last evaluated: 2025-11-11. Review status: criteria provided, single submitter. Criteria: Ambry Variant Classification Scheme 2023. Collection method: clinical testing. Allele origin: germline.
Comment: The p.A2P variant (also known as c.4G>C), located in coding exon 1 of the SDHB gene, results from a G to C substitution at nucleotide position 4. The alanine at codon 2 is replaced by proline, an amino acid with highly similar properties. This amino acid position is conserved. In addition, this alteration is predicted to be deleterious by in silico analysis. Based on the available evidence, the clinical significance of this variant remains unclear.